The following is an entry in ClinVar:

NM_003922.4(HERC1):c.104C>G (p.Ala35Gly)

Gene: HERC1 (HECT and RLD domain containing E3 ubiquitin protein ligase family member 1; minus strand). Cytogenetic location: 15q22.31.
Variant type: single nucleotide variant.
Coding change: c.104C>G on transcript NM_003922.4 (MANE Select); coding-DNA position 104, C replaced by G.
Protein change: p.Ala35Gly; replaces alanine 35 with glycine.
Molecular consequence: missense variant.
Genome position (GRCh38, 1-based): chr15:63,775,520, G>C on the plus strand (C>G on the coding strand, the complement: HERC1 is on the minus strand). VCF-style: chr15-63775520-G-C. GRCh37 (hg19) VCF-style: chr15-64067719-G-C.
Other names: short protein forms A35G.
Identifiers: ClinVar variation 3367765 (VCV003367765.2).

ClinVar aggregate classification (germline): Uncertain significance (1 of 4 stars; one submission).

Submission:

GeneDx
Classification: Uncertain significance. Last evaluated: 2025-04-27. Review status: criteria provided, single submitter. Criteria: GeneDx Variant Classification Process June 2021. Collection method: clinical testing. Allele origin: germline.
Comment: Not observed at significant frequency in large population cohorts (gnomAD); In silico analysis indicates that this missense variant does not alter protein structure/function; Has not been previously published as pathogenic or benign to our knowledge